The following is an entry in ClinVar:

ClinVar aggregate classification (germline): Pathogenic (1 of 4 stars; one submission).

Conditions:
Sulfite oxidase deficiency due to molybdenum cofactor deficiency type A. Also called: Molybdenum cofactor deficiency, complementation group A; Molybdenum Cofactor Deficiency A. Identifiers: Orphanet 308386, Orphanet 833, MedGen C1854988, MONDO:0009643, OMIM 252150.

Submission:

Labcorp Genetics (formerly Invitae), Labcorp
Classification: Pathogenic for Sulfite oxidase deficiency due to molybdenum cofactor deficiency type A. Last evaluated: 2022-08-25. Review status: criteria provided, single submitter. Criteria: Invitae Variant Classification Sherloc (09022015). Collection method: clinical testing. Allele origin: germline.
Comment: This sequence change creates a premature translational stop signal (p.Leu387Phefs*77) in the MOCS1 gene. While this is not anticipated to result in nonsense mediated decay, it is expected to disrupt the last 250 amino acid(s) of the MOCS1 protein. This variant is present in population databases (rs767097726, gnomAD 0.007%). For these reasons, this variant has been classified as Pathogenic. This variant disrupts a region of the MOCS1 protein in which other variant(s) (p.Glu503Alafs*103) have been determined to be pathogenic (PMID: 9731530, 9921896). This suggests that this is a clinically significant region of the protein, and that variants that disrupt it are likely to be disease-causing. This variant has not been reported in the literature in individuals affected with MOCS1-related conditions.

Literature cited by the submitters: PubMed 9731530; PubMed 9921896.

NM_001358530.2(MOCS1):c.1160dup (p.Leu387fs)

Gene: MOCS1 (molybdenum cofactor synthesis 1; minus strand). Cytogenetic location: 6p21.2.
Variant type: Duplication.
Coding change: c.1160dup on transcript NM_001358530.2 (MANE Select); coding-DNA position 1160, one base duplicated (T; older notation c.1160dupT).
Protein change: p.Leu387fs; shifts the reading frame from leucine 387.
Molecular consequence: frameshift variant. On other transcripts: 3 prime UTR variant (4), non-coding transcript variant (1).
Genome position (GRCh38, 1-based): chr6:39,907,108, A duplicated on the plus strand (T on the coding strand, the reverse complement: MOCS1 is on the minus strand); the first of 5 consecutive A bases (chr6:39,907,108-39,907,112); duplicating any one gives the same sequence. VCF-style (leftmost placement, unchanged base first): chr6-39907107-C-CA. GRCh37 (hg19) VCF-style: chr6-39874883-C-CA.
Other names: c.*17dup (NM_001075098.4, NM_001358533.2, NM_001358534.2 and 1 more transcripts); c.1112dup, p.Leu371fs (NM_001358529.2); c.899dup, p.Leu300fs (NM_001358531.2); short protein forms L300fs, L371fs, L387fs.
Identifiers: ClinVar variation 2027093 (VCV002027093.4), dbSNP rs767097726, ClinGen allele CA3796000.